The following is an entry in ClinVar:

NM_006739.4(MCM5):c.518G>A (p.Arg173His)

Gene: MCM5 (minichromosome maintenance complex component 5; plus strand). Cytogenetic location: 22q12.3.
Variant type: single nucleotide variant.
Coding change: c.518G>A on transcript NM_006739.4 (MANE Select); coding-DNA position 518, G replaced by A.
Protein change: p.Arg173His; replaces arginine 173 with histidine.
Molecular consequence: missense variant.
Genome position (GRCh38, 1-based): chr22:35,406,647, G>A. VCF-style: chr22-35406647-G-A. GRCh37 (hg19) VCF-style: chr22-35802640-G-A.
Other names: short protein forms R173H.
Identifiers: ClinVar variation 2145560 (VCV002145560.4), dbSNP rs1270174624, ClinGen allele CA411362398.

ClinVar aggregate classification (germline): Uncertain significance (1 of 4 stars; one submission).

Allele frequency attached by ClinVar (database versions not stated): TOPMed below 0.00001; gnomAD exomes 0.00001; gnomAD 0.00003.
gnomAD v4.1: 11 of 1,612,180 alleles (0.00068%); highest among the groups gnomAD compares: East Asian, 0.0045%; no homozygotes.

Submission:

Labcorp Genetics (formerly Invitae), Labcorp
Classification: Uncertain significance. Last evaluated: 2022-05-12. Review status: criteria provided, single submitter. Criteria: Invitae Variant Classification Sherloc (09022015). Collection method: clinical testing. Allele origin: germline.
Comment: In summary, the available evidence is currently insufficient to determine the role of this variant in disease. Therefore, it has been classified as a Variant of Uncertain Significance. Algorithms developed to predict the effect of missense changes on protein structure and function are either unavailable or do not agree on the potential impact of this missense change (SIFT: "Deleterious"; PolyPhen-2: "Probably Damaging"; Align-GVGD: "Class C0"). This sequence change replaces arginine, which is basic and polar, with histidine, which is basic and polar, at codon 173 of the MCM5 protein (p.Arg173His). This variant is present in population databases (no rsID available, gnomAD 0.005%). This variant has not been reported in the literature in individuals affected with MCM5-related conditions.